The following is an entry in ClinVar:

NM_000245.4(MET):c.2440C>A (p.Pro814Thr)

Gene: MET (MET proto-oncogene, receptor tyrosine kinase; plus strand). Cytogenetic location: 7q31.2.
Variant type: single nucleotide variant.
Coding change: c.2440C>A on transcript NM_000245.4 (MANE Select); coding-DNA position 2440, C replaced by A.
Protein change: p.Pro814Thr; replaces proline 814 with threonine.
Molecular consequence: missense variant.
Genome position (GRCh38, 1-based): chr7:116,763,125, C>A. VCF-style: chr7-116763125-C-A. GRCh37 (hg19) VCF-style: chr7-116403179-C-A.
Other names: c.2494C>A, p.Pro832Thr (NM_001127500.3); c.2440C>A, p.Pro814Thr (NM_001324401.3); c.1150C>A, p.Pro384Thr (NM_001324402.2); short protein forms P384T, P814T, P832T.
Identifiers: ClinVar variation 844825 (VCV000844825.11), dbSNP rs1052270861, ClinGen allele CA164897730.

ClinVar aggregate classification (germline): Uncertain significance. Review status: criteria provided, multiple submitters, no conflicts (2 of 4 stars). 3 submissions from 3 submitters: Uncertain significance (3). Last evaluated 2026-01-26.

Conditions:
Autosomal recessive nonsyndromic hearing loss 97. Also called: Deafness, autosomal recessive 97. Identifiers: Orphanet 90636, MedGen C4084709, MONDO:0014739, OMIM 616705.
Renal cell carcinoma. Identifiers: Orphanet 217071, MedGen C0007134, MeSH D002292, MONDO:0005086, HP:0005584.
Hereditary cancer-predisposing syndrome. Also called: Hereditary Cancer Syndrome; Tumor predisposition; Neoplastic Syndromes, Hereditary; Hereditary neoplastic syndrome. Identifiers: Orphanet 140162, MedGen C0027672, MeSH D009386, MONDO:0015356.

Allele frequency attached by ClinVar (database versions not stated): gnomAD 0.00001; TOPMed 0.00003.
gnomAD v4.1: 2 of 1,613,888 alleles (0.00012%); highest among the groups gnomAD compares: Admixed American, 0.0033%; no homozygotes.

Submissions (3):

Ambry Genetics
Classification: Uncertain significance for Hereditary cancer-predisposing syndrome. Last evaluated: 2026-01-26. Review status: criteria provided, single submitter. Criteria: Ambry Variant Classification Scheme 2023. Collection method: clinical testing. Allele origin: germline.
Comment: The p.P832T variant (also known as c.2494C>A), located in coding exon 10 of the MET gene, results from a C to A substitution at nucleotide position 2494. The proline at codon 832 is replaced by threonine, an amino acid with highly similar properties. This amino acid position is highly conserved in available vertebrate species. In addition, this alteration is predicted to be deleterious by in silico analysis. Based on the available evidence, the clinical significance of this variant remains unclear.

Labcorp Genetics (formerly Invitae), Labcorp
Classification: Uncertain significance for Renal cell carcinoma. Last evaluated: 2025-05-14. Review status: criteria provided, single submitter. Criteria: Invitae Variant Classification Sherloc (09022015). Collection method: clinical testing. Allele origin: germline.
Comment: This sequence change replaces proline, which is neutral and non-polar, with threonine, which is neutral and polar, at codon 832 of the MET protein (p.Pro832Thr). This variant is not present in population databases (gnomAD no frequency). This variant has not been reported in the literature in individuals affected with MET-related conditions. ClinVar contains an entry for this variant (Variation ID: 844825). Invitae Evidence Modeling of protein sequence and biophysical properties (such as structural, functional, and spatial information, amino acid conservation, physicochemical variation, residue mobility, and thermodynamic stability) indicates that this missense variant is not expected to disrupt MET protein function with a negative predictive value of 80%. In summary, the available evidence is currently insufficient to determine the role of this variant in disease. Therefore, it has been classified as a Variant of Uncertain Significance.

Baylor Genetics
Classification: Uncertain significance for Autosomal recessive nonsyndromic hearing loss 97. Last evaluated: 2023-10-20. Review status: criteria provided, single submitter. Criteria: ACMG Guidelines, 2015. Collection method: clinical testing. Allele origin: unknown.